The following is an entry in ClinVar:

ClinVar aggregate classification (germline): Likely benign (1 of 4 stars; one submission).

Submission:

Laboratory for Molecular Medicine, Mass General Brigham Personalized Medicine
Classification: Likely benign. Last evaluated: 2017-08-03. Review status: criteria provided, single submitter. Criteria: LMM Criteria. Collection method: clinical testing. Allele origin: germline. Observed: 1 variant allele.
Comment: p.Asp349Asp in exon 11 of DIAPH1: This variant is not expected to have clinical significance because it does not alter an amino acid residue and is not located within the splice consensus sequence.

NM_005219.5(DIAPH1):c.1047C>T (p.Asp349=)

Gene: DIAPH1 (diaphanous related formin 1; minus strand). Cytogenetic location: 5q31.3.
Variant type: single nucleotide variant.
Coding change: c.1047C>T on transcript NM_005219.5 (MANE Select); coding-DNA position 1047, C replaced by T.
Protein change: p.Asp349=; no amino-acid change (aspartic acid 349 retained).
Molecular consequence: synonymous variant.
Genome position (GRCh38, 1-based): chr5:141,578,341, G>A on the plus strand (C>T on the coding strand, the complement: DIAPH1 is on the minus strand). VCF-style: chr5-141578341-G-A. GRCh37 (hg19) VCF-style: chr5-140957908-G-A.
Other names: c.1020C>T, p.Asp340= (NM_001079812.3); c.1047C>T, p.Asp349= (NM_001314007.2).
Identifiers: ClinVar variation 505975 (VCV000505975.4), dbSNP rs1554208916, ClinGen allele CA447088976.